The following is an entry in ClinVar:

ClinVar aggregate classification (germline): Uncertain significance (1 of 4 stars; one submission).

Allele frequency attached by ClinVar (database versions not stated): gnomAD 0.00001; gnomAD exomes 0.00001.
gnomAD v4.1: 15 of 1,614,048 alleles (0.00093%); highest among the groups gnomAD compares: South Asian, 0.0077%; no homozygotes.

Submission:

Labcorp Genetics (formerly Invitae), Labcorp
Classification: Uncertain significance. Last evaluated: 2025-06-12. Review status: criteria provided, single submitter. Criteria: Invitae Variant Classification Sherloc (09022015). Collection method: clinical testing. Allele origin: germline.
Comment: This sequence change replaces arginine, which is basic and polar, with glutamine, which is neutral and polar, at codon 2046 of the FAT2 protein (p.Arg2046Gln). This variant is present in population databases (rs201798435, gnomAD 0.01%). This variant has not been reported in the literature in individuals affected with FAT2-related conditions. ClinVar contains an entry for this variant (Variation ID: 2082922). Invitae Evidence Modeling of protein sequence and biophysical properties (such as structural, functional, and spatial information, amino acid conservation, physicochemical variation, residue mobility, and thermodynamic stability) indicates that this missense variant is not expected to disrupt FAT2 protein function with a negative predictive value of 80%. In summary, the available evidence is currently insufficient to determine the role of this variant in disease. Therefore, it has been classified as a Variant of Uncertain Significance.

NM_001447.3(FAT2):c.6137G>A (p.Arg2046Gln)

Genes: FAT2 (FAT atypical cadherin 2; minus strand), SLC36A1 (solute carrier family 36 member 1; plus strand). Cytogenetic location: 5q33.1.
Variant type: single nucleotide variant.
Coding change: c.6137G>A on transcript NM_001447.3 (MANE Select); coding-DNA position 6137, G replaced by A.
Protein change: p.Arg2046Gln; replaces arginine 2046 with glutamine.
Molecular consequence: missense variant.
Genome position (GRCh38, 1-based): chr5:151,544,990, C>T on the plus strand (G>A on the coding strand, the complement: FAT2 is on the minus strand). VCF-style: chr5-151544990-C-T. GRCh37 (hg19) VCF-style: chr5-150924551-C-T.
Other names: short protein forms R2046Q.
Identifiers: ClinVar variation 2082922 (VCV002082922.4), dbSNP rs201798435, ClinGen allele CA129960136.